The following is an entry in ClinVar:

ClinVar aggregate classification (germline): Uncertain significance (1 of 4 stars; one submission).

Conditions:
Episodic kinesigenic dyskinesia (EKD). Also called: Paroxysmal kinesigenic dyskinesia. Identifiers: Orphanet 98809, MedGen C1868682, MONDO:0044202.

gnomAD v4.1: 3 of 1,611,990 alleles (0.00019%); highest among the groups gnomAD compares: Non-Finnish European, 0.00025%; no homozygotes.

Submission:

Concord Molecular Medicine Laboratory, Concord Repatriation General Hospital
Classification: Uncertain significance for Episodic kinesigenic dyskinesia. Last evaluated: 2025-06-02. Review status: criteria provided, single submitter. Criteria: ACMG Guidelines, 2015. Collection method: clinical testing. Allele origin: maternal. Inheritance: Autosomal dominant inheritance. Affected: yes. Observed: 1 heterozygote.
Comment: Variants in KCNJ10 have been recently associated to autosomal dominant paroxysmal kinesigenic dyskinesia. This variant is detected in heterozygous state in two affected individuals within a family with exercise-induced movement disorder, dystonic posturing and dyskinesia. This variant is predicted to lead to a loss of termination codon. The reading frame is extended with an additional serine residue, p.(*380Serext*1). The variant is present at very low frequency in population database (VAF 0.00019%; gnomAD v4.1.0).

Literature cited by the submitters: PubMed 38436103; PubMed 38979912; PubMed 39367724.

NM_002241.5(KCNJ10):c.1139G>C (p.Ter380Ser)

Gene: KCNJ10 (potassium inwardly rectifying channel subfamily J member 10; minus strand). Cytogenetic location: 1q23.2.
Variant type: single nucleotide variant.
Coding change: c.1139G>C on transcript NM_002241.5 (MANE Select); coding-DNA position 1139, G replaced by C.
Protein change: p.Ter380Ser.
Molecular consequence: stop lost.
Genome position (GRCh38, 1-based): chr1:160,041,394, C>G on the plus strand (G>C on the coding strand, the complement: KCNJ10 is on the minus strand). VCF-style: chr1-160041394-C-G. GRCh37 (hg19) VCF-style: chr1-160011184-C-G.
Identifiers: ClinVar variation 3900747 (VCV003900747.1).
Genomic context (GRCh38, chr1:160,041,394, plus strand): 5'-ACCAGGGCATTGGAAGAGAGGAAAAGAGACCAGAGGAATGGGGGAGTGGGAACAGGTCAT[C>G]AGACATTGCTGATGCGCACACTAAGGGCACTGCCCTCCTTCTCAGCTTGCTCCCTTAATG-3'